The following is an entry in ClinVar:

NM_206933.4(USH2A):c.8224-6T>G

Gene: USH2A (usherin; minus strand). Cytogenetic location: 1q41.
Variant type: single nucleotide variant.
Coding change: c.8224-6T>G on transcript NM_206933.4 (MANE Select); 6 bases into the intron before coding-DNA position 8224, T replaced by G.
Molecular consequence: intron variant.
Genome position (GRCh38, 1-based): chr1:215,879,104, A>C on the plus strand (T>G on the coding strand, the complement: USH2A is on the minus strand). VCF-style: chr1-215879104-A-C. GRCh37 (hg19) VCF-style: chr1-216052446-A-C.
Identifiers: ClinVar variation 1002282 (VCV001002282.9), dbSNP rs1664846600, ClinGen allele CA1220462013.

ClinVar aggregate classification (germline): Uncertain significance. Review status: criteria provided, single submitter (1 of 4 stars). 2 submissions from 2 submitters: Uncertain significance (1). 1 of the submissions does not count toward it. Last evaluated 2022-11-29.

Conditions:
Usher syndrome type 2A. Also called: RETINAL DISEASE IN USHER SYNDROME TYPE IIA, MODIFIER OF; USHER SYNDROME, TYPE IIA. Identifiers: Orphanet 231178, Orphanet 886, MedGen C1848634, MONDO:0010169, OMIM 276901.

Allele frequency attached by ClinVar (database versions not stated): gnomAD exomes below 0.00001.
gnomAD v4.1: 1 of 1,610,614 alleles (0.000062%); highest among the groups gnomAD compares: Non-Finnish European, 0.000085%; no homozygotes.

Submissions (2):

Labcorp Genetics (formerly Invitae), Labcorp
Classification: Uncertain significance. Last evaluated: 2022-11-29. Review status: criteria provided, single submitter. Criteria: Invitae Variant Classification Sherloc (09022015). Collection method: clinical testing. Allele origin: germline.
Comment: Algorithms developed to predict the effect of sequence changes on RNA splicing suggest that this variant may disrupt the consensus splice site. In summary, the available evidence is currently insufficient to determine the role of this variant in disease. Therefore, it has been classified as a Variant of Uncertain Significance. ClinVar contains an entry for this variant (Variation ID: 1002282). This sequence change falls in intron 41 of the USH2A gene. It does not directly change the encoded amino acid sequence of the USH2A protein. This variant is not present in population databases (gnomAD no frequency). This variant has not been reported in the literature in individuals affected with USH2A-related conditions.

Natera, Inc.
Classification: Uncertain significance for Usher syndrome type 2A. Last evaluated: 2020-07-02. Review status: no assertion criteria provided. Collection method: clinical testing. Allele origin: germline. Not counted in ClinVar's aggregate classification.